The following is an entry in ClinVar:

NM_000218.3(KCNQ1):c.-24del

Gene: KCNQ1 (potassium voltage-gated channel subfamily Q member 1; plus strand). Cytogenetic location: 11p15.5.
Variant type: Deletion.
Coding change: c.-24del on transcript NM_000218.3 (MANE Select); 24 bases upstream of the start codon, one base deleted (G; older notation c.-24delG).
Molecular consequence: 5 prime UTR variant.
Genome position (GRCh38, 1-based): chr11:2,445,075, G deleted; the last of 2 consecutive G bases (chr11:2,445,074-2,445,075); deleting either gives the same sequence. VCF-style (leftmost placement, unchanged base first): chr11-2445073-CG-C. GRCh37 (hg19) VCF-style: chr11-2466303-CG-C.
Other names: c.-24delG (NM_000218.2).
Identifiers: ClinVar variation 506583 (VCV000506583.1), dbSNP rs971277753, ClinGen allele CA216292424.

ClinVar aggregate classification (germline): Likely benign (1 of 4 stars; one submission).

Submission:

GeneDx
Classification: Likely benign. Last evaluated: 2017-04-07. Review status: criteria provided, single submitter. Criteria: GeneDx Variant Classification (06012015). Collection method: clinical testing. Allele origin: germline. Affected: yes.
Comment: This variant is considered likely benign or benign based on one or more of the following criteria: it is a conservative change, it occurs at a poorly conserved position in the protein, it is predicted to be benign by multiple in silico algorithms, and/or has population frequency not consistent with disease.